The following is an entry in ClinVar:

ClinVar aggregate classification (germline): Uncertain significance. Review status: criteria provided, multiple submitters, no conflicts (2 of 4 stars). 3 submissions from 3 submitters: Uncertain significance (3). Last evaluated 2025-07-11.

Conditions:
BSND-related disorder. Also called: BSND-related condition.

Allele frequency attached by ClinVar (database versions not stated): gnomAD exomes 0.00002; gnomAD 0.00003; TOPMed 0.00003; ExAC 0.00007.
gnomAD v4.1: 33 of 1,613,974 alleles (0.002%); highest among the groups gnomAD compares: Admixed American, 0.025%; no homozygotes.

Submissions (3):

GeneDx
Classification: Uncertain significance. Last evaluated: 2025-07-11. Review status: criteria provided, single submitter. Criteria: GeneDx Variant Classification Process June 2021. Collection method: clinical testing. Allele origin: germline. Affected: yes.
Comment: In silico analysis suggests that this missense variant does not alter protein structure/function; Has not been previously published as pathogenic or benign to our knowledge

PreventionGenetics, part of Exact Sciences
Classification: Uncertain significance for BSND-related condition. Last evaluated: 2024-10-17. Review status: criteria provided, single submitter. Criteria: ACMG Guidelines, 2015. Collection method: clinical testing. Allele origin: germline.
Comment: The BSND c.484G>A variant is predicted to result in the amino acid substitution p.Val162Met. To our knowledge, this variant has not been reported in the literature. This variant is reported in 0.040% of alleles in individuals of Latino descent in gnomAD. At this time, the clinical significance of this variant is uncertain due to the absence of conclusive functional and genetic evidence.

Labcorp Genetics (formerly Invitae), Labcorp
Classification: Uncertain significance. Last evaluated: 2022-06-26. Review status: criteria provided, single submitter. Criteria: Invitae Variant Classification Sherloc (09022015). Collection method: clinical testing. Allele origin: germline.
Comment: This sequence change replaces valine, which is neutral and non-polar, with methionine, which is neutral and non-polar, at codon 162 of the BSND protein (p.Val162Met). This variant is present in population databases (rs780910610, gnomAD 0.04%). This variant has not been reported in the literature in individuals affected with BSND-related conditions. Algorithms developed to predict the effect of missense changes on protein structure and function are either unavailable or do not agree on the potential impact of this missense change (SIFT: "Deleterious"; PolyPhen-2: "Probably Damaging"; Align-GVGD: "Class C0"). In summary, the available evidence is currently insufficient to determine the role of this variant in disease. Therefore, it has been classified as a Variant of Uncertain Significance.

NM_057176.3(BSND):c.484G>A (p.Val162Met)

Gene: BSND (barttin CLCNK type accessory subunit beta; plus strand). Cytogenetic location: 1p32.3.
Variant type: single nucleotide variant.
Coding change: c.484G>A on transcript NM_057176.3 (MANE Select); coding-DNA position 484, G replaced by A.
Protein change: p.Val162Met; replaces valine 162 with methionine.
Molecular consequence: missense variant.
Genome position (GRCh38, 1-based): chr1:55,007,208, G>A. VCF-style: chr1-55007208-G-A. GRCh37 (hg19) VCF-style: chr1-55472881-G-A.
Other names: c.484G>A (NM_057176.2); short protein forms V162M.
Identifiers: ClinVar variation 2076538 (VCV002076538.3), dbSNP rs780910610, ClinGen allele CA871347.
Genomic context (GRCh38, chr1:55,007,208, plus strand): 5'-GGAACCAGTGATGGAGGAGAAGGTGGCCCTGGCGACGTTCAGGCCTGGATGGAGGCTGCC[G>A]TGGTCATCCACAAGGGCTCAGACGAGAGTGAAGGGGAAAGACGCCTAACTCAGAGCTGGC-3'
Protein context (NP_476517.1, residues 152-172): GDVQAWMEAA[Val162Met]VIHKGSDESE